The following is an entry in ClinVar:

ClinVar aggregate classification (germline): Uncertain significance/VUS-high. Review status: criteria provided, multiple submitters, no conflicts (2 of 4 stars). 2 submissions from 2 submitters: Uncertain significance (1); VUS-high (1). Last evaluated 2026-04-09.

Conditions:
Generalized non-motor (absence) seizure. Identifiers: MedGen C4316903, HP:0002121.
DIP2B-related neurodevelopmental disorder.

Allele frequency attached by ClinVar (database versions not stated): gnomAD exomes 0.00001.
gnomAD v4.1: 10 of 1,614,104 alleles (0.00062%); highest among the groups gnomAD compares: East Asian, 0.0022%; no homozygotes.

Submissions (2):

Schrauwen Lab, The University of Arizona College of Medicine Phoenix
Classification: VUS-high for DIP2B-related neurodevelopmental disorder. Last evaluated: 2026-04-09. Review status: criteria provided, single submitter. Criteria: ACMG Guidelines, 2015. Collection method: clinical testing. Allele origin: maternal. Affected: yes.

Institute of Human Genetics, University of Leipzig Medical Center
Classification: Uncertain significance for Generalized non-motor (absence) seizure. Last evaluated: 2022-05-03. Review status: criteria provided, single submitter. Criteria: ACMG Guidelines, 2015. Collection method: clinical testing. Allele origin: unknown. Affected: yes.
Comment: _x000D_ Criteria applied: PM2_SUP

NM_173602.3(DIP2B):c.3346C>T (p.Arg1116Ter)

Gene: DIP2B (DIP2 acetate--CoA ligase B (putative); plus strand). Cytogenetic location: 12q13.12.
Variant type: single nucleotide variant.
Coding change: c.3346C>T on transcript NM_173602.3 (MANE Select); coding-DNA position 3346, C replaced by T.
Protein change: p.Arg1116Ter; replaces arginine 1116 with a stop codon.
Molecular consequence: nonsense.
Genome position (GRCh38, 1-based): chr12:50,724,832, C>T. VCF-style: chr12-50724832-C-T. GRCh37 (hg19) VCF-style: chr12-51118615-C-T.
Other names: short protein forms R1116*.
Identifiers: ClinVar variation 1691872 (VCV001691872.2), dbSNP rs2139590550, ClinGen allele CA384827190.
Genomic context (GRCh38, chr12:50,724,832, plus strand): 5'-TAGGTCAGCAAAGCAGCCTGTATTCTCACCAGTCAGACCCTAATGAGGCTACTGAGGTCC[C>T]GAGAGGCAGCAGCAGCTGTGGATGTGAAAACCTGGCCAACCATCATTGACACAGGTGAAA-3'